The following is an entry in ClinVar:

NM_139321.3(ATRN):c.1786+2T>C

Gene: ATRN (attractin; plus strand). Cytogenetic location: 20p13.
Variant type: single nucleotide variant.
Coding change: c.1786+2T>C on transcript NM_139321.3 (MANE Select); the canonical splice donor site of the intron after coding-DNA position 1786, T replaced by C.
Molecular consequence: splice donor variant.
Genome position (GRCh38, 1-based): chr20:3,563,365, T>C. VCF-style: chr20-3563365-T-C. GRCh37 (hg19) VCF-style: chr20-3544012-T-C.
Other names: c.1786+2T>C (NM_001323332.2, NM_139322.4); c.1438+2T>C (NM_001207047.3).
Identifiers: ClinVar variation 1488218 (VCV001488218.6), dbSNP rs2146225434, ClinGen allele CA408255457.
Genomic context (GRCh38, chr20:3,563,365, plus strand): 5'-CACATCTATGAGCCATGGCGCCAAATGCTTCTCTTCAGATTTCATGGCCTATGACATTGG[T>C]AAGTTTCCCAAAACCATTTTCTCTTCAGGCATCTTTTTGCCTATACTATAAGCAGCATTT-3'

ClinVar aggregate classification (germline): Uncertain significance (1 of 4 stars; one submission).

Submission:

Labcorp Genetics (formerly Invitae), Labcorp
Classification: Uncertain significance. Last evaluated: 2022-08-16. Review status: criteria provided, single submitter. Criteria: Invitae Variant Classification Sherloc (09022015). Collection method: clinical testing. Allele origin: germline.
Comment: In summary, the available evidence is currently insufficient to determine the role of this variant in disease. Therefore, it has been classified as a Variant of Uncertain Significance. Algorithms developed to predict the effect of sequence changes on RNA splicing suggest that this variant may disrupt the consensus splice site. ClinVar contains an entry for this variant (Variation ID: 1488218). This variant has not been reported in the literature in individuals affected with ATRN-related conditions. This variant is not present in population databases (gnomAD no frequency). This sequence change affects a donor splice site in intron 10 of the ATRN gene. It is expected to disrupt RNA splicing. Variants that disrupt the donor or acceptor splice site typically lead to a loss of protein function (PMID: 16199547), however the current clinical and genetic evidence is not sufficient to establish whether loss-of-function variants in ATRN cause disease.

Literature cited by the submitters: PubMed 16199547.